The following is an entry in ClinVar:

ClinVar aggregate classification (germline): Uncertain significance (1 of 4 stars; one submission).

Conditions:
Ullrich congenital muscular dystrophy 2 (UCMD2). Identifiers: Orphanet 75840, MedGen C4225314, MONDO:0014654, OMIM 616470.
Bethlem myopathy 2 (BTHLM2). Identifiers: Orphanet 536516, Orphanet 610, MedGen C4225313, MONDO:0034022, OMIM 616471.

Submission:

Labcorp Genetics (formerly Invitae), Labcorp
Classification: Uncertain significance for Bethlem myopathy 2; Ullrich congenital muscular dystrophy 2. Last evaluated: 2022-07-19. Review status: criteria provided, single submitter. Criteria: Invitae Variant Classification Sherloc (09022015). Collection method: clinical testing. Allele origin: germline.
Comment: ClinVar contains an entry for this variant (Variation ID: 955006). Algorithms developed to predict the effect of missense changes on protein structure and function are either unavailable or do not agree on the potential impact of this missense change (SIFT: "Deleterious"; PolyPhen-2: "Probably Damaging"; Align-GVGD: "Class C0"). In summary, the available evidence is currently insufficient to determine the role of this variant in disease. Therefore, it has been classified as a Variant of Uncertain Significance. This sequence change replaces valine, which is neutral and non-polar, with aspartic acid, which is acidic and polar, at codon 544 of the COL12A1 protein (p.Val544Asp). This variant has not been reported in the literature in individuals affected with COL12A1-related conditions. This variant is not present in population databases (gnomAD no frequency).

NM_004370.6(COL12A1):c.1631T>A (p.Val544Asp)

Gene: COL12A1 (collagen type XII alpha 1 chain; minus strand). Cytogenetic location: 6q13.
Variant type: single nucleotide variant.
Coding change: c.1631T>A on transcript NM_004370.6 (MANE Select); coding-DNA position 1631, T replaced by A.
Protein change: p.Val544Asp; replaces valine 544 with aspartic acid.
Molecular consequence: missense variant. On other transcripts: intron variant (1).
Genome position (GRCh38, 1-based): chr6:75,183,310, A>T on the plus strand (T>A on the coding strand, the complement: COL12A1 is on the minus strand). VCF-style: chr6-75183310-A-T. GRCh37 (hg19) VCF-style: chr6-75893026-A-T.
Other names: c.73+19410T>A (NM_080645.3); short protein forms V544D.
Identifiers: ClinVar variation 955006 (VCV000955006.10), dbSNP rs1769421051, ClinGen allele CA364769318.